The following is an entry in ClinVar:

ClinVar aggregate classification (germline): Likely pathogenic (1 of 4 stars; one submission).

Conditions:
Hereditary cancer-predisposing syndrome. Also called: Neoplastic Syndromes, Hereditary; Tumor predisposition; Hereditary Cancer Syndrome; Hereditary neoplastic syndrome. Identifiers: Orphanet 140162, MedGen C0027672, MeSH D009386, MONDO:0015356.

Submission:

Ambry Genetics
Classification: Likely pathogenic for Hereditary cancer-predisposing syndrome. Last evaluated: 2024-06-14. Review status: criteria provided, single submitter. Criteria: Ambry Variant Classification Scheme 2023. Collection method: clinical testing. Allele origin: germline.
Comment: The c.1970-2A>G intronic variant results from an A to G substitution two nucleotides upstream from coding exon 13 in the RAD50 gene. This alteration was observed in a cohort of 7768 women with a clinical diagnosis of ovarian cancer who underwent multi-gene panel testing (Lilyquist J et al. Gynecol Oncol, 2017 Nov;147:375-380). This variant is considered to be rare based on population cohorts in the Genome Aggregation Database (gnomAD). This nucleotide position is highly conserved in available vertebrate species. In silico splice site analysis predicts that this alteration will weaken the native splice acceptor site. In addition to the clinical data presented in the literature, alterations that disrupt the canonical splice site are expected to cause aberrant splicing, resulting in an abnormal protein or a transcript that is subject to nonsense-mediated mRNA decay. As such, this alteration is classified as likely pathogenic.

Literature cited by the submitters: PubMed 28888541.

NM_005732.4(RAD50):c.1970-2A>G

Gene: RAD50 (RAD50 double strand break repair protein; plus strand). Cytogenetic location: 5q31.1.
Variant type: single nucleotide variant.
Coding change: c.1970-2A>G on transcript NM_005732.4 (MANE Select); the canonical splice acceptor site of the intron before coding-DNA position 1970, A replaced by G.
Molecular consequence: splice acceptor variant.
Genome position (GRCh38, 1-based): chr5:132,595,571, A>G. VCF-style: chr5-132595571-A-G. GRCh37 (hg19) VCF-style: chr5-131931263-A-G.
Identifiers: ClinVar variation 233911 (VCV000233911.7), dbSNP rs876660728, ClinGen allele CA10578545.